The following is an entry in ClinVar:

NM_001453.3(FOXC1):c.497G>A (p.Ser166Asn)

Gene: FOXC1 (forkhead box C1; plus strand). Cytogenetic location: 6p25.3.
Variant type: single nucleotide variant.
Coding change: c.497G>A on transcript NM_001453.3 (MANE Select); coding-DNA position 497, G replaced by A.
Protein change: p.Ser166Asn; replaces serine 166 with asparagine.
Molecular consequence: missense variant.
Genome position (GRCh38, 1-based): chr6:1,610,942, G>A. VCF-style: chr6-1610942-G-A. GRCh37 (hg19) VCF-style: chr6-1611177-G-A.
Other names: short protein forms S166N.
Identifiers: ClinVar variation 3900824 (VCV003900824.1).

ClinVar aggregate classification (germline): Uncertain significance (1 of 4 stars; one submission).

Submission:

GeneDx
Classification: Uncertain significance. Last evaluated: 2024-11-22. Review status: criteria provided, single submitter. Criteria: GeneDx Variant Classification Process June 2021. Collection method: clinical testing. Allele origin: germline. Affected: yes.
Comment: Not observed at significant frequency in large population cohorts (gnomAD); In silico analysis supports that this missense variant has a deleterious effect on protein structure/function; Has not been previously published as pathogenic or benign to our knowledge